The following is an entry in ClinVar:

ClinVar aggregate classification (germline): Uncertain significance (1 of 4 stars; one submission).

Conditions:
Hereditary cancer-predisposing syndrome. Also called: Tumor predisposition; Hereditary Cancer Syndrome; Hereditary neoplastic syndrome; Neoplastic Syndromes, Hereditary. Identifiers: Orphanet 140162, MedGen C0027672, MeSH D009386, MONDO:0015356.

Submission:

Ambry Genetics
Classification: Uncertain significance for Hereditary cancer-predisposing syndrome. Last evaluated: 2024-04-22. Review status: criteria provided, single submitter. Criteria: Ambry Variant Classification Scheme 2023. Collection method: clinical testing. Allele origin: germline.
Comment: The p.S132R variant (also known as c.396C>G), located in coding exon 1 of the MET gene, results from a C to G substitution at nucleotide position 396. The serine at codon 132 is replaced by arginine, an amino acid with dissimilar properties. This amino acid position is conserved. In addition, the in silico prediction for this alteration is inconclusive. Based on the available evidence, the clinical significance of this variant remains unclear.

NM_000245.4(MET):c.396C>G (p.Ser132Arg)

Gene: MET (MET proto-oncogene, receptor tyrosine kinase; plus strand). Cytogenetic location: 7q31.2.
Variant type: single nucleotide variant.
Coding change: c.396C>G on transcript NM_000245.4 (MANE Select); coding-DNA position 396, C replaced by G.
Protein change: p.Ser132Arg; replaces serine 132 with arginine.
Molecular consequence: missense variant. On other transcripts: intron variant (1).
Genome position (GRCh38, 1-based): chr7:116,699,480, C>G. VCF-style: chr7-116699480-C-G. GRCh37 (hg19) VCF-style: chr7-116339534-C-G.
Other names: c.396C>G, p.Ser132Arg (NM_001127500.3, NM_001324401.3); c.-91+26903C>G (NM_001324402.2); short protein forms S132R.
Identifiers: ClinVar variation 3294338 (VCV003294338.1).
Genomic context (GRCh38, chr7:116,699,480, plus strand): 5'-GAAAGATAACATCAACATGGCTCTAGTTGTCGACACCTACTATGATGATCAACTCATTAG[C>G]TGTGGCAGCGTCAACAGAGGGACCTGCCAGCGACATGTCTTTCCCCACAATCATACTGCT-3'
Protein context (NP_000236.2, residues 122-142): VDTYYDDQLI[Ser132Arg]CGSVNRGTCQ